The following is an entry in ClinVar:

ClinVar aggregate classification (germline): Uncertain significance (1 of 4 stars; one submission).

Conditions:
Hereditary sensory and autonomic neuropathy type 6. Also called: HSAN VI; Neuropathy, hereditary sensory and autonomic, type VI. Identifiers: Orphanet 314381, MedGen C3539003, MONDO:0013839, OMIM 614653.
Epidermolysis bullosa simplex 3, localized or generalized intermediate, with BP230 deficiency (EBS3). Also called: Epidermolysis bullosa simplex, autosomal recessive 2; Epidermolysis bullosa simplex due to BP230 deficiency. Identifiers: Orphanet 412181, MedGen C3809470, MONDO:0014180, OMIM 615425.

Submission:

Labcorp Genetics (formerly Invitae), Labcorp
Classification: Uncertain significance for Epidermolysis bullosa simplex 3, localized or generalized intermediate, with BP230 deficiency; Hereditary sensory and autonomic neuropathy type 6. Last evaluated: 2019-07-11. Review status: criteria provided, single submitter. Criteria: Invitae Variant Classification Sherloc (09022015). Collection method: clinical testing. Allele origin: germline.
Comment: This sequence change replaces aspartic acid with tyrosine at codon 1068 of the DST protein (p.Asp1068Tyr). The aspartic acid residue is highly conserved and there is a large physicochemical difference between aspartic acid and tyrosine. This variant is not present in population databases (ExAC no frequency) and has not been reported in the literature in individuals with a DST-related disease. In summary, this variant is a novel missense change with uncertain impact on protein function. It has been classified as a Variant of Uncertain Significance. Algorithms developed to predict the effect of missense changes on protein structure and function (SIFT, PolyPhen-2, Align-GVGD) all suggest that this variant is likely to be disruptive, but these predictions have not been confirmed by published functional studies.

NM_001374736.1(DST):c.4813G>T (p.Asp1605Tyr)

Gene: DST (dystonin; minus strand). Cytogenetic location: 6p12.1.
Variant type: single nucleotide variant.
Coding change: c.4813G>T on transcript NM_001374736.1 (MANE Select); coding-DNA position 4813, G replaced by T.
Protein change: p.Asp1605Tyr; replaces aspartic acid 1605 with tyrosine.
Molecular consequence: missense variant.
Genome position (GRCh38, 1-based): chr6:56,625,174, C>A on the plus strand (G>T on the coding strand, the complement: DST is on the minus strand). VCF-style: chr6-56625174-C-A. GRCh37 (hg19) VCF-style: chr6-56489972-C-A.
Other names: c.4714G>T, p.Asp1572Tyr (NM_001144769.5); c.4300G>T, p.Asp1434Tyr (NM_001144770.2); c.4813G>T, p.Asp1605Tyr (NM_001374722.1); c.4180G>T, p.Asp1394Tyr (NM_001374729.1, NM_001374730.1, NM_001386100.1 and 1 more transcripts); c.4840G>T, p.Asp1614Tyr (NM_001374734.1); c.3202G>T, p.Asp1068Tyr (NM_001723.7, NM_015548.5); short protein forms D1068Y, D1394Y, D1434Y, D1572Y, D1605Y, D1614Y.
Identifiers: ClinVar variation 474517 (VCV000474517.11), dbSNP rs1554517569, ClinGen allele CA364572708.
Genomic context (GRCh38, chr6:56,625,174, plus strand): 5'-TTCTTTTATGCCCCTTCCCCTCTTTCTCTCATACTTTTATTACCTCTTGAATAATGAGAT[C>A]TGCTGAACTCTGCATTCTTCGGCGTTTCACTGGAGATTTTTGTTGTGAATCTACCATGGC-3'
Protein context (NP_001361665.1, residues 1595-1615): VKRRRMQSSA[Asp1605Tyr]LIIQEFMDLR